The following is an entry in ClinVar:

NM_022051.3(EGLN1):c.425C>G (p.Ala142Gly)

Gene: EGLN1 (egl-9 family hypoxia inducible factor 1; minus strand). Cytogenetic location: 1q42.2.
Variant type: single nucleotide variant.
Coding change: c.425C>G on transcript NM_022051.3 (MANE Select); coding-DNA position 425, C replaced by G.
Protein change: p.Ala142Gly; replaces alanine 142 with glycine.
Molecular consequence: missense variant.
Genome position (GRCh38, 1-based): chr1:231,421,464, G>C on the plus strand (C>G on the coding strand, the complement: EGLN1 is on the minus strand). VCF-style: chr1-231421464-G-C. GRCh37 (hg19) VCF-style: chr1-231557210-G-C.
Other names: c.425C>G, p.Ala142Gly (NM_001377260.1, NM_001377261.1); short protein forms A142G.
Identifiers: ClinVar variation 1739151 (VCV001739151.6), dbSNP rs1656599037, ClinGen allele CA345237096.
Genomic context (GRCh38, chr1:231,421,464, plus strand): 5'-AGGTTCGCCTTCTCCTGGAACAGCGATGAGCGGGCCGGCGGCTCCTCCTTGCCGGGCTCG[G>C]CTTCGGCAGCCACCGCCGAGCCCTGGCCGCCGGCGGCCGCACGACACGGCGACGCGGCCG-3'
Protein context (NP_071334.1, residues 132-152): GGQGSAVAAE[Ala142Gly]EPGKEEPPAR

ClinVar aggregate classification (germline): Uncertain significance. Review status: criteria provided, multiple submitters, no conflicts (2 of 4 stars). 2 submissions from 2 submitters: Uncertain significance (2). Last evaluated 2025-01-06.

Conditions:
Erythrocytosis, familial, 3 (ECYT3). Identifiers: Orphanet 247511, MedGen C1853286, MONDO:0012353, OMIM 609820.

Submissions (2):

Ambry Genetics
Classification: Uncertain significance. Last evaluated: 2025-01-06. Review status: criteria provided, single submitter. Criteria: Ambry Variant Classification Scheme 2023. Collection method: clinical testing. Allele origin: germline.
Comment: The p.A142G variant (also known as c.425C>G), located in coding exon 1 of the EGLN1 gene, results from a C to G substitution at nucleotide position 425. The alanine at codon 142 is replaced by glycine, an amino acid with similar properties. This amino acid position is conserved. In addition, this alteration is predicted to be tolerated by in silico analysis. Since supporting evidence is limited at this time, the clinical significance of this alteration remains unclear.

Labcorp Genetics (formerly Invitae), Labcorp
Classification: Uncertain significance for Erythrocytosis, familial, 3. Last evaluated: 2022-12-03. Review status: criteria provided, single submitter. Criteria: Invitae Variant Classification Sherloc (09022015). Collection method: clinical testing. Allele origin: germline.
Comment: This sequence change replaces alanine, which is neutral and non-polar, with glycine, which is neutral and non-polar, at codon 142 of the EGLN1 protein (p.Ala142Gly). This variant is not present in population databases (gnomAD no frequency). This variant has not been reported in the literature in individuals affected with EGLN1-related conditions. Algorithms developed to predict the effect of missense changes on protein structure and function (SIFT, PolyPhen-2, Align-GVGD) all suggest that this variant is likely to be tolerated. In summary, the available evidence is currently insufficient to determine the role of this variant in disease. Therefore, it has been classified as a Variant of Uncertain Significance.